The following is an entry in ClinVar:

NM_001807.6(CEL):c.1454T>C (p.Ile485Thr)

Gene: CEL (carboxyl ester lipase; plus strand). Cytogenetic location: 9q34.13.
Variant type: single nucleotide variant.
Coding change: c.1454T>C on transcript NM_001807.6 (MANE Select); coding-DNA position 1454, T replaced by C.
Protein change: p.Ile485Thr; replaces isoleucine 485 with threonine.
Molecular consequence: missense variant.
Genome position (GRCh38, 1-based): chr9:133,070,628, T>C. VCF-style: chr9-133070628-T-C. GRCh37 (hg19) VCF-style: chr9-135946015-T-C.
Other names: p.Ile485Thr; c.1454T>C (NM_001807.5); short protein forms I485T.
Identifiers: ClinVar variation 393421 (VCV000393421.13), dbSNP rs77696629, ClinGen allele CA5303370.

ClinVar aggregate classification (germline): Benign/Likely benign. Review status: criteria provided, multiple submitters, no conflicts (2 of 4 stars). 8 submissions from 8 submitters: Benign (3); Likely benign (3). 2 of the submissions do not count toward it. Last evaluated 2025-10-10.

Conditions:
Monogenic diabetes. Identifiers: Orphanet 183625, MedGen C3888631, MONDO:0015967.
Maturity-onset diabetes of the young type 8 (MODY8). Also called: DIABETES-PANCREATIC EXOCRINE DYSFUNCTION SYNDROME; DIABETES AND PANCREATIC EXOCRINE DYSFUNCTION. Identifiers: Orphanet 552, MedGen C1853297, MONDO:0012348, OMIM 609812.
Transitory neonatal diabetes mellitus. Also called: Transient neonatal diabetes mellitus. Identifiers: MedGen C0342273, MONDO:0020525, HP:0008255.

Allele frequency attached by ClinVar (database versions not stated): ExAC 0.01805; gnomAD 0.02562 and 0.02589; 1000 Genomes Project 30x 0.15568.
gnomAD v4.1: 13,022 of 1,436,658 alleles (0.91%); highest among the groups gnomAD compares: African/African-American, 3.3%; 71 homozygotes.

Submissions (8):

Mayo Clinic Laboratories, Mayo Clinic
Classification: Likely benign. Last evaluated: 2025-10-10. Review status: criteria provided, single submitter. Criteria: ACMG Guidelines, 2015. Collection method: clinical testing. Allele origin: germline. Observed: 2 variant alleles.
Comment: BS1, BS2, PP1

ARUP Laboratories, Molecular Genetics and Genomics, ARUP Laboratories
Classification: Benign for Maturity-onset diabetes of the young type 8. Last evaluated: 2025-07-09. Review status: criteria provided, single submitter. Criteria: ARUP Molecular Germline Variant Investigation Process 2024. Collection method: clinical testing. Allele origin: germline.

Personalized Diabetes Medicine Program, University of Maryland School of Medicine
Classification: Benign for Monogenic diabetes. Last evaluated: 2019-02-08. Review status: criteria provided, single submitter. Criteria: ACMG Guidelines, 2015. Collection method: research. Allele origin: unknown. Observed: 10 variant alleles, 10 heterozygotes.
Comment: ACMG criteria: BA1 (2.8% in gnomAD Africans and 1% in gnomAD ENF) (BP4/3 predictors + PP3/7 predictors + REVEL 0.615: conflicting evidence, not using both)= Benign

GeneDx
Classification: Likely benign. Last evaluated: 2017-12-12. Review status: criteria provided, single submitter. Criteria: GeneDx Variant Classification (06012015). Collection method: clinical testing. Allele origin: germline. Affected: yes.
Comment: This variant is considered likely benign or benign based on one or more of the following criteria: it is a conservative change, it occurs at a poorly conserved position in the protein, it is predicted to be benign by multiple in silico algorithms, and/or has population frequency not consistent with disease.

Breakthrough Genomics
Classification: Likely benign. Review status: criteria provided, single submitter. Criteria: ACMG Guidelines, 2015. Collection method: not provided. Allele origin: germline. Inheritance: Autosomal dominant inheritance. Affected: yes.

Clinical Genomics, Uppaluri K&H Personalized Medicine Clinic
Classification: Benign for Transitory neonatal diabetes mellitus. Review status: criteria provided, single submitter. Criteria: K&H Uppaluri Personalized Medicine Clinic Variant Classification & Assertion Criteria. Collection method: research. Allele origin: somatic. Affected: yes.
Comment: CEL gene mutations are associated with MODY and neonatal diabetes. rs77696629 of CEL gene plays a role in increasing the risk of chronic pancreatitis.

Clinical Genetics DNA and cytogenetics Diagnostics Lab, Erasmus MC, Erasmus Medical Center
Classification: Benign. Review status: no assertion criteria provided. Collection method: clinical testing. Allele origin: germline. Affected: yes. Study: VKGL Data-share Consensus. Not counted in ClinVar's aggregate classification.

Laboratory of Diagnostic Genome Analysis, Leiden University Medical Center (LUMC)
Classification: Likely benign. Review status: no assertion criteria provided. Collection method: clinical testing. Allele origin: germline. Affected: yes. Study: VKGL Data-share Consensus. Not counted in ClinVar's aggregate classification.

Literature cited by the submitters: PubMed 25774637 (cited by Mayo Clinic Laboratories, Mayo Clinic); PubMed 27884173 (cited by Mayo Clinic Laboratories, Mayo Clinic); PubMed 32906201 (cited by Mayo Clinic Laboratories, Mayo Clinic and Clinical Genomics, Uppaluri K&H Personalized Medicine Clinic); PubMed 33072637 (cited by Mayo Clinic Laboratories, Mayo Clinic); PubMed 35995657 (cited by Mayo Clinic Laboratories, Mayo Clinic); PubMed 36573710 (cited by Mayo Clinic Laboratories, Mayo Clinic); PubMed 39730750 (cited by Mayo Clinic Laboratories, Mayo Clinic).